The following is an entry in ClinVar:

ClinVar aggregate classification (germline): Uncertain significance (1 of 4 stars; one submission).

Conditions:
Arrhythmogenic right ventricular dysplasia 13. Also called: ARRHYTHMOGENIC RIGHT VENTRICULAR CARDIOMYOPATHY 13; Arrhythmogenic right ventricular dysplasia, familial, 13. Identifiers: MedGen C3810138, MONDO:0000908, OMIM 615616.

gnomAD v4.1: 1 of 1,612,018 alleles (0.000062%); highest among the groups gnomAD compares: African/African-American, 0.0013%; no homozygotes.

Submission:

Labcorp Genetics (formerly Invitae), Labcorp
Classification: Uncertain significance for Arrhythmogenic right ventricular dysplasia 13. Last evaluated: 2024-03-07. Review status: criteria provided, single submitter. Criteria: Invitae Variant Classification Sherloc (09022015). Collection method: clinical testing. Allele origin: germline.
Comment: This sequence change replaces asparagine, which is neutral and polar, with lysine, which is basic and polar, at codon 438 of the CTNNA3 protein (p.Asn438Lys). This variant is not present in population databases (gnomAD no frequency). This variant has not been reported in the literature in individuals affected with CTNNA3-related conditions. Advanced modeling of protein sequence and biophysical properties (such as structural, functional, and spatial information, amino acid conservation, physicochemical variation, residue mobility, and thermodynamic stability) performed at Invitae indicates that this missense variant is not expected to disrupt CTNNA3 protein function with a negative predictive value of 80%. In summary, the available evidence is currently insufficient to determine the role of this variant in disease. Therefore, it has been classified as a Variant of Uncertain Significance.

NM_013266.4(CTNNA3):c.1314T>A (p.Asn438Lys)

Gene: CTNNA3 (catenin alpha 3; minus strand). Cytogenetic location: 10q21.3.
Variant type: single nucleotide variant.
Coding change: c.1314T>A on transcript NM_013266.4 (MANE Select); coding-DNA position 1314, T replaced by A.
Protein change: p.Asn438Lys; replaces asparagine 438 with lysine.
Molecular consequence: missense variant.
Genome position (GRCh38, 1-based): chr10:66,621,752, A>T on the plus strand (T>A on the coding strand, the complement: CTNNA3 is on the minus strand). VCF-style: chr10-66621752-A-T. GRCh37 (hg19) VCF-style: chr10-68381510-A-T.
Other names: c.1314T>A, p.Asn438Lys (NM_001127384.3); short protein forms N438K.
Identifiers: ClinVar variation 3645034 (VCV003645034.2).